The following is an entry in ClinVar:

ClinVar aggregate classification (germline): Benign/Likely benign. Review status: criteria provided, multiple submitters, no conflicts (2 of 4 stars). 11 submissions from 11 submitters: Benign (2); Likely benign (9). Last evaluated 2026-02-02.

Conditions:
Polymerase proofreading-related adenomatous polyposis. Also called: Polymerase proofreading associated polyposis; Polymerase proofreading–associated polyposis (PPAP). Identifiers: Orphanet 447877, MedGen C5202613, MONDO:0018653.
Hereditary cancer-predisposing syndrome. Also called: Tumor predisposition; Hereditary Cancer Syndrome; Neoplastic Syndromes, Hereditary; Hereditary neoplastic syndrome. Identifiers: Orphanet 140162, MedGen C0027672, MeSH D009386, MONDO:0015356.
POLD1-related polyposis and colorectal cancer syndrome (CRCS10). Also called: Colorectal cancer 10; COLORECTAL CANCER, SUSCEPTIBILITY TO, ON CHROMOSOME 19q; Colorectal cancer, susceptibility to, 10. Identifiers: Orphanet 220460, MedGen C2675481, MONDO:0012953, OMIM 612591.

Allele frequency attached by ClinVar (database versions not stated): gnomAD exomes 0.00019 and 0.00030; gnomAD 0.00023 and 0.00024; ESP Exome Variant Server 0.00031; 1000 Genomes Project 0.00040; TOPMed 0.00041; 1000 Genomes Project 30x 0.00047; ExAC 0.00049.
gnomAD v4.1: 487 of 1,592,000 alleles (0.031%); highest among the groups gnomAD compares: Admixed American, 0.064%; no homozygotes.

Submissions (11):

Labcorp Genetics (formerly Invitae), Labcorp
Classification: Likely benign for POLD1-related polyposis and colorectal cancer syndrome. Last evaluated: 2026-02-02. Review status: criteria provided, single submitter. Criteria: Invitae Variant Classification Sherloc (09022015). Collection method: clinical testing. Allele origin: germline.

Center for Genomic Medicine, Rigshospitalet, Copenhagen University Hospital
Classification: Likely benign. Last evaluated: 2025-03-04. Review status: criteria provided, single submitter. Criteria: ACMG Guidelines, 2015. Collection method: clinical testing. Allele origin: germline.

Myriad Genetics, Inc.
Classification: Benign for POLD1-related polyposis and colorectal cancer syndrome. Last evaluated: 2025-02-05. Review status: criteria provided, single submitter. Criteria: Myriad Autosomal Dominant, Autosomal Recessive and X-Linked Classification Criteria (2023). Collection method: clinical testing. Allele origin: unknown.
Comment: This variant is considered benign. This variant is a silent/synonymous amino acid change and it is not expected to impact splicing.

Blueprint Genetics
Classification: Likely benign. Last evaluated: 2024-08-26. Review status: criteria provided, single submitter. Criteria: ACMG Guidelines, 2015. Collection method: clinical testing. Allele origin: germline.

Department of Pathology and Laboratory Medicine, Sinai Health System
Classification: Likely benign for Polymerase proofreading-related adenomatous polyposis. Last evaluated: 2023-04-06. Review status: criteria provided, single submitter. Criteria: ACMG Guidelines, 2015. Collection method: clinical testing. Allele origin: germline. Affected: yes.

GeneDx
Classification: Likely benign. Last evaluated: 2021-02-15. Review status: criteria provided, single submitter. Criteria: GeneDx Variant Classification Process June 2021. Collection method: clinical testing. Allele origin: germline. Affected: yes.

Sema4
Classification: Likely benign for Hereditary cancer-predisposing syndrome. Last evaluated: 2020-12-29. Review status: criteria provided, single submitter. Criteria: Sema4 Curation Guidelines. Collection method: curation. Allele origin: germline.

CeGaT Center for Human Genetics Tuebingen
Classification: Likely benign. Last evaluated: 2019-05-01. Review status: criteria provided, single submitter. Criteria: CeGaT Center For Human Genetics Tuebingen Variant Classification Criteria Version 2. Collection method: clinical testing. Allele origin: germline. Affected: yes. Observed: 1 variant allele.

Quest Diagnostics Nichols Institute San Juan Capistrano
Classification: Benign. Last evaluated: 2018-05-01. Review status: criteria provided, single submitter. Criteria: Quest Diagnostics criteria. Collection method: clinical testing. Allele origin: unknown.

Genetic Services Laboratory, University of Chicago
Classification: Likely benign. Last evaluated: 2018-02-26. Review status: criteria provided, single submitter. Criteria: ACMG Guidelines, 2015. Collection method: clinical testing. Allele origin: germline. Affected: no.

Ambry Genetics
Classification: Likely benign for Hereditary cancer-predisposing syndrome. Last evaluated: 2015-09-08. Review status: criteria provided, single submitter. Criteria: Ambry Variant Classification Scheme 2023. Collection method: clinical testing. Allele origin: germline.

NM_002691.4(POLD1):c.885G>C (p.Val295=)

Gene: POLD1 (DNA polymerase delta 1, catalytic subunit; plus strand). Cytogenetic location: 19q13.33.
Variant type: single nucleotide variant.
Coding change: c.885G>C on transcript NM_002691.4 (MANE Select); coding-DNA position 885, G replaced by C.
Protein change: p.Val295=; no amino-acid change (valine 295 retained).
Molecular consequence: synonymous variant. On other transcripts: non-coding transcript variant (1).
Genome position (GRCh38, 1-based): chr19:50,402,656, G>C. VCF-style: chr19-50402656-G-C. GRCh37 (hg19) VCF-style: chr19-50905913-G-C.
Other names: c.885G>C, p.Val295= (NM_001256849.1, NM_001308632.1).
Identifiers: ClinVar variation 239374 (VCV000239374.71), dbSNP rs201946114, ClinGen allele CA9595942.